The following is an entry in ClinVar:

ClinVar aggregate classification (germline): Conflicting classifications of pathogenicity. Review status: criteria provided, conflicting classifications (1 of 4 stars). 4 submissions from 4 submitters: Uncertain significance (1); Benign (1); Likely benign (2). Last evaluated 2025-11-22.

Allele frequency attached by ClinVar (database versions not stated): ExAC 0.00069; 1000 Genomes Project 0.00120; 1000 Genomes Project 30x 0.00141; gnomAD 0.00256 and 0.00285; TOPMed 0.00266; ESP Exome Variant Server 0.00300.
gnomAD v4.1: 840 of 1,614,182 alleles (0.052%); highest among the groups gnomAD compares: African/African-American, 0.85%; 4 homozygotes.

Submissions (4):

Labcorp Genetics (formerly Invitae), Labcorp
Classification: Benign. Last evaluated: 2025-11-22. Review status: criteria provided, single submitter. Criteria: Invitae Variant Classification Sherloc (09022015). Collection method: clinical testing. Allele origin: germline.

Blueprint Genetics
Classification: Likely benign. Last evaluated: 2024-10-08. Review status: criteria provided, single submitter. Criteria: ACMG Guidelines, 2015. Collection method: clinical testing. Allele origin: germline.

CeGaT Center for Human Genetics Tuebingen
Classification: Likely benign. Last evaluated: 2022-05-01. Review status: criteria provided, single submitter. Criteria: CeGaT Center For Human Genetics Tuebingen Variant Classification Criteria Version 2. Collection method: clinical testing. Allele origin: germline. Affected: yes. Observed: 2 variant alleles.
Comment: INSR: BP4, BP7

Genetic Services Laboratory, University of Chicago
Classification: Uncertain significance. Last evaluated: 2015-06-24. Review status: criteria provided, single submitter. Criteria: ACMG Guidelines, 2015. Collection method: clinical testing. Allele origin: germline.

NM_000208.4(INSR):c.2355G>A (p.Ser785=)

Gene: INSR (insulin receptor; minus strand). Cytogenetic location: 19p13.2.
Variant type: single nucleotide variant.
Coding change: c.2355G>A on transcript NM_000208.4 (MANE Select); coding-DNA position 2355, G replaced by A.
Protein change: p.Ser785=; no amino-acid change (serine 785 retained).
Molecular consequence: synonymous variant.
Genome position (GRCh38, 1-based): chr19:7,143,003, C>T on the plus strand (G>A on the coding strand, the complement: INSR is on the minus strand). VCF-style: chr19-7143003-C-T. GRCh37 (hg19) VCF-style: chr19-7143014-C-T.
Other names: c.2319G>A, p.Ser773= (NM_001079817.3).
Identifiers: ClinVar variation 211192 (VCV000211192.39), dbSNP rs148137322, ClinGen allele CA208431.